The following is an entry in ClinVar:

ClinVar aggregate classification (germline): Uncertain significance (1 of 4 stars; one submission).

Submission:

Labcorp Genetics (formerly Invitae), Labcorp
Classification: Uncertain significance. Last evaluated: 2023-07-19. Review status: criteria provided, single submitter. Criteria: Invitae Variant Classification Sherloc (09022015). Collection method: clinical testing. Allele origin: germline.
Comment: This variant has not been reported in the literature in individuals affected with GINS1-related conditions. This sequence change replaces glycine, which is neutral and non-polar, with serine, which is neutral and polar, at codon 164 of the GINS1 protein (p.Gly164Ser). This variant is not present in population databases (gnomAD no frequency). An algorithm developed to predict the effect of missense changes on protein structure and function (PolyPhen-2) suggests that this variant is likely to be disruptive. In summary, the available evidence is currently insufficient to determine the role of this variant in disease. Therefore, it has been classified as a Variant of Uncertain Significance.

NM_021067.5(GINS1):c.490G>A (p.Gly164Ser)

Gene: GINS1 (GINS complex subunit 1; plus strand). Cytogenetic location: 20p11.21.
Variant type: single nucleotide variant.
Coding change: c.490G>A on transcript NM_021067.5 (MANE Select); coding-DNA position 490, G replaced by A.
Protein change: p.Gly164Ser; replaces glycine 164 with serine.
Molecular consequence: missense variant. On other transcripts: non-coding transcript variant (1).
Genome position (GRCh38, 1-based): chr20:25,441,744, G>A. VCF-style: chr20-25441744-G-A. GRCh37 (hg19) VCF-style: chr20-25422380-G-A.
Other names: c.373G>A, p.Gly125Ser (NM_001410830.1); c.235G>A, p.Gly79Ser (NM_001410831.1); short protein forms G125S, G164S, G79S.
Identifiers: ClinVar variation 2745244 (VCV002745244.3), dbSNP rs2516061627, ClinGen allele CA408450774.